The following is an entry in ClinVar:

ClinVar aggregate classification (germline): Uncertain significance (1 of 4 stars; one submission).

Conditions:
Dilated cardiomyopathy 1DD (CMD1DD). Identifiers: Orphanet 154, MedGen C2750995, MONDO:0013168, OMIM 613172.

Submission:

Labcorp Genetics (formerly Invitae), Labcorp
Classification: Uncertain significance for Dilated cardiomyopathy 1DD. Last evaluated: 2019-08-19. Review status: criteria provided, single submitter. Criteria: Invitae Variant Classification Sherloc (09022015). Collection method: clinical testing. Allele origin: germline.
Comment: In summary, the available evidence is currently insufficient to determine the role of this variant in disease. Therefore, it has been classified as a Variant of Uncertain Significance. Algorithms developed to predict the effect of missense changes on protein structure and function are either unavailable or do not agree on the potential impact of this missense change (SIFT: "Deleterious"; PolyPhen-2: "Benign"; Align-GVGD: "Class C0"). This sequence change replaces arginine with isoleucine at codon 868 of the RBM20 protein (p.Arg868Ile). The arginine residue is moderately conserved and there is a moderate physicochemical difference between arginine and isoleucine. This variant is not present in population databases (ExAC no frequency). This variant has not been reported in the literature in individuals with RBM20-related conditions.

NM_001134363.3(RBM20):c.2603G>T (p.Arg868Ile)

Gene: RBM20 (RNA binding motif protein 20; plus strand). Cytogenetic location: 10q25.2.
Variant type: single nucleotide variant.
Coding change: c.2603G>T on transcript NM_001134363.3 (MANE Select); coding-DNA position 2603, G replaced by T.
Protein change: p.Arg868Ile; replaces arginine 868 with isoleucine.
Molecular consequence: missense variant.
Genome position (GRCh38, 1-based): chr10:110,820,124, G>T. VCF-style: chr10-110820124-G-T. GRCh37 (hg19) VCF-style: chr10-112579882-G-T.
Other names: short protein forms R868I.
Identifiers: ClinVar variation 964520 (VCV000964520.9), dbSNP rs1236252537, ClinGen allele CA378376844.